The following is an entry in ClinVar:

ClinVar aggregate classification (germline): Uncertain significance (1 of 4 stars; one submission).

Conditions:
Arrhythmogenic right ventricular dysplasia 13. Also called: ARRHYTHMOGENIC RIGHT VENTRICULAR CARDIOMYOPATHY 13; Arrhythmogenic right ventricular dysplasia, familial, 13. Identifiers: MedGen C3810138, MONDO:0000908, OMIM 615616.

Submission:

Labcorp Genetics (formerly Invitae), Labcorp
Classification: Uncertain significance for Arrhythmogenic right ventricular dysplasia 13. Last evaluated: 2023-06-22. Review status: criteria provided, single submitter. Criteria: Invitae Variant Classification Sherloc (09022015). Collection method: clinical testing. Allele origin: unknown.
Comment: This variant results in a copy number gain of the genomic region encompassing exon(s) 10-15 of the CTNNA3 gene. While the exact position of this variant cannot be determined from the data, sub-genic copy number gains are generally in tandem (PMID: 25640679). This variant is predicted to be out-of-frame, and may result in an absent or disrupted protein product. However, the current clinical and genetic evidence is not sufficient to establish whether loss-of-function variants in CTNNA3 cause disease. This variant has not been reported in the literature in individuals affected with CTNNA3-related conditions. Experimental studies and prediction algorithms are not available or were not evaluated, and the functional significance of this variant is currently unknown. In summary, the available evidence is currently insufficient to determine the role of this variant in disease. Therefore, it has been classified as a Variant of Uncertain Significance.

Literature cited by the submitters: PubMed 25640679.

NC_000010.10:g.(?_67829046)_(68381562_?)dup

Gene: CTNNA3 (catenin alpha 3; minus strand). Cytogenetic location: 10q21.3.
Variant type: Duplication.
Identifiers: ClinVar variation 3244913 (VCV003244913.1).